The following is an entry in ClinVar:

ClinVar aggregate classification (germline): Conflicting classifications of pathogenicity. Review status: criteria provided, conflicting classifications (1 of 4 stars). 4 submissions from 4 submitters: Uncertain significance (3); Likely benign (1). Last evaluated 2026-01-18.

Conditions:
Autosomal recessive limb-girdle muscular dystrophy type 2Q (LGMDR17). Also called: MUSCULAR DYSTROPHY, LIMB-GIRDLE, AUTOSOMAL RECESSIVE 17. Identifiers: Orphanet 254361, MedGen C3150989, MONDO:0013390, OMIM 613723.
Epidermolysis bullosa simplex 5B, with muscular dystrophy (EBS5B). Also called: EPIDERMOLYSIS BULLOSA SIMPLEX AND LIMB-GIRDLE MUSCULAR DYSTROPHY; Epidermolysis bullosa simplex with muscular dystrophy. Identifiers: Orphanet 257, MedGen C2931072, MONDO:0009181, OMIM 226670.
Epidermolysis bullosa simplex, Ogna type (EBS5A). Also called: Pidermolysis bullosa simplex 5A, Ogna type; EPIDERMOLYSIS BULLOSA SIMPLEX 5A, OGNA TYPE. Identifiers: Orphanet 79401, MedGen C0432317, MONDO:0007555, OMIM 131950.
Epidermolysis bullosa simplex with nail dystrophy (EBS5D). Identifiers: MedGen C4225309, MONDO:0014661, OMIM 616487.
Epidermolysis bullosa simplex 5C, with pyloric atresia (EBS5C). Also called: PLEC-Related Epidermolysis Bullosa with Pyloric Atresia; Epidermolysis bullosa simplex with pyloric atresia; PLEC1-Related Epidermolysis Bullosa with Pyloric Atresia. Identifiers: Orphanet 158684, MedGen C2677349, MONDO:0012807, OMIM 612138.
PLEC-related disorder. Also called: PLEC-related disorders; PLEC-related condition.

Allele frequency attached by ClinVar (database versions not stated): ExAC 0.00017; gnomAD exomes 0.00020; ESP Exome Variant Server 0.00042; gnomAD 0.00046; TOPMed 0.00054; 1000 Genomes Project 0.00060; 1000 Genomes Project 30x 0.00094.
gnomAD v4.1: 164 of 1,611,338 alleles (0.01%); highest among the groups gnomAD compares: African/African-American, 0.15%; no homozygotes.

Submissions (4):

Labcorp Genetics (formerly Invitae), Labcorp
Classification: Uncertain significance for Autosomal recessive limb-girdle muscular dystrophy type 2Q; Epidermolysis bullosa simplex, Ogna type; Epidermolysis bullosa simplex with nail dystrophy; Epidermolysis bullosa simplex 5C, with pyloric atresia; Epidermolysis bullosa simplex 5B, with muscular dystrophy. Last evaluated: 2026-01-18. Review status: criteria provided, single submitter. Criteria: Invitae Variant Classification Sherloc (09022015). Collection method: clinical testing. Allele origin: germline.
Comment: This sequence change replaces proline, which is neutral and non-polar, with leucine, which is neutral and non-polar, at codon 715 of the PLEC protein (p.Pro715Leu). This variant is present in population databases (rs377358791, gnomAD 0.1%). This variant has not been reported in the literature in individuals affected with PLEC-related conditions. ClinVar contains an entry for this variant (Variation ID: 496999). Invitae Evidence Modeling of protein sequence and biophysical properties (such as structural, functional, and spatial information, amino acid conservation, physicochemical variation, residue mobility, and thermodynamic stability) indicates that this missense variant is not expected to disrupt PLEC protein function with a negative predictive value of 80%. In summary, the available evidence is currently insufficient to determine the role of this variant in disease. Therefore, it has been classified as a Variant of Uncertain Significance.

PreventionGenetics, part of Exact Sciences
Classification: Likely benign for PLEC-related condition. Last evaluated: 2024-10-08. Review status: criteria provided, single submitter. Criteria: ACMG Guidelines, 2015. Collection method: clinical testing. Allele origin: germline.
Comment: This variant is classified as likely benign based on ACMG/AMP sequence variant interpretation guidelines (Richards et al. 2015 PMID: 25741868, with internal and published modifications).

Revvity Omics, Revvity
Classification: Uncertain significance. Last evaluated: 2024-04-09. Review status: criteria provided, single submitter. Criteria: ACMG Guidelines, 2015. Collection method: clinical testing. Allele origin: germline.

Eurofins Ntd Llc (ga)
Classification: Uncertain significance. Last evaluated: 2018-06-19. Review status: criteria provided, single submitter. Criteria: EGL ClinVar v180209 classification definitions. Collection method: clinical testing. Allele origin: germline. Observed: 6 variant alleles, 6 heterozygotes.

NM_201384.3(PLEC):c.2063C>T (p.Pro688Leu)

Gene: PLEC (plectin; minus strand). Cytogenetic location: 8q24.3.
Variant type: single nucleotide variant.
Coding change: c.2063C>T on transcript NM_201384.3 (MANE Select); coding-DNA position 2063, C replaced by T.
Protein change: p.Pro688Leu; replaces proline 688 with leucine.
Molecular consequence: missense variant.
Genome position (GRCh38, 1-based): chr8:143,932,149, G>A on the plus strand (C>T on the coding strand, the complement: PLEC is on the minus strand). VCF-style: chr8-143932149-G-A. GRCh37 (hg19) VCF-style: chr8-145006317-G-A.
Other names: c.2144C>T, p.Pro715Leu (NM_000445.5); c.2021C>T, p.Pro674Leu (NM_201378.4); c.1997C>T, p.Pro666Leu (NM_201379.3); c.2474C>T, p.Pro825Leu (NM_201380.4); c.1967C>T, p.Pro656Leu (NM_201381.3); c.2063C>T, p.Pro688Leu (NM_201382.4); c.2075C>T, p.Pro692Leu (NM_201383.3); short protein forms P656L, P666L, P674L, P688L, P692L, P715L, P825L.
Identifiers: ClinVar variation 496999 (VCV000496999.14), dbSNP rs377358791, ClinGen allele CA4927720.
Genomic context (GRCh38, chr8:143,932,149, plus strand): 5'-CGGCCCCCCCCGCAGCCCCGCCCCTACCCAGGGAGCCCCACCTCCACCGTGGGCCGGGCC[G>A]GGTGGTCCTCCCGCAGCAGCCGGTCCCCAGCATTTTGGAGCTCCTTGATCTTCTTCTCCT-3'
Protein context (NP_958786.1, residues 678-698): AGDRLLREDH[Pro688Leu]ARPTVESFQA